The following is an entry in ClinVar:

NM_003238.6(TGFB2):c.491A>G (p.Gln164Arg)

Gene: TGFB2 (transforming growth factor beta 2; plus strand). Cytogenetic location: 1q41.
Variant type: single nucleotide variant.
Coding change: c.491A>G on transcript NM_003238.6 (MANE Select); coding-DNA position 491, A replaced by G.
Protein change: p.Gln164Arg; replaces glutamine 164 with arginine.
Molecular consequence: missense variant. On other transcripts: non-coding transcript variant (2).
Genome position (GRCh38, 1-based): chr1:218,405,313, A>G. VCF-style: chr1-218405313-A-G. GRCh37 (hg19) VCF-style: chr1-218578655-A-G.
Other names: c.575A>G, p.Gln192Arg (NM_001135599.4); short protein forms Q164R, Q192R.
Identifiers: ClinVar variation 3325691 (VCV003325691.1).

ClinVar aggregate classification (germline): Uncertain significance (1 of 4 stars; one submission).

Conditions:
Familial thoracic aortic aneurysm and aortic dissection (TAAD). Also called: Thoracic aortic aneurysms and dissections. Identifiers: Orphanet 91387, MedGen C4707243, MONDO:0019625.

Submission:

Ambry Genetics
Classification: Uncertain significance for Familial thoracic aortic aneurysm and aortic dissection. Last evaluated: 2024-04-11. Review status: criteria provided, single submitter. Criteria: Ambry Variant Classification Scheme 2023. Collection method: clinical testing. Allele origin: germline.
Comment: The p.Q164R variant (also known as c.491A>G), located in coding exon 2 of the TGFB2 gene, results from an A to G substitution at nucleotide position 491. The glutamine at codon 164 is replaced by arginine, an amino acid with highly similar properties. This amino acid position is conserved. In addition, the in silico prediction for this alteration is inconclusive. Based on the available evidence, the clinical significance of this variant remains unclear.